The following is an entry in ClinVar:

ClinVar aggregate classification (germline): Benign. Review status: criteria provided, multiple submitters, no conflicts (2 of 4 stars). 2 submissions from 2 submitters: Benign (2). Last evaluated 2016-03-28.

Allele frequency attached by ClinVar (database versions not stated): gnomAD exomes 0.54131; ExAC 0.54235; gnomAD 0.55291; ESP Exome Variant Server 0.55345; TOPMed 0.56322; 1000 Genomes Project 0.60004; 1000 Genomes Project 30x 0.60322.

Submissions (2):

Laboratory for Molecular Medicine, Mass General Brigham Personalized Medicine
Classification: Benign. Last evaluated: 2016-03-28. Review status: criteria provided, single submitter. Criteria: LMM Criteria. Collection method: clinical testing. Allele origin: germline.
Comment: Variant identified in a genome or exome case(s) and assessed due to predicted null impact of the variant or pathogenic assertions in the literature or databases. Disclaimer: This variant has not undergone full assessment. The following are preliminary notes: Frequency

Breakthrough Genomics
Classification: Benign. Review status: criteria provided, single submitter. Criteria: ACMG Guidelines, 2015. Collection method: not provided. Allele origin: germline. Inheritance: Unknown mechanism. Affected: yes.

NM_002424.3(MMP8):c.259A>G (p.Lys87Glu)

Gene: MMP8 (matrix metallopeptidase 8; minus strand). Cytogenetic location: 11q22.2.
Variant type: single nucleotide variant.
Coding change: c.259A>G on transcript NM_002424.3 (MANE Select); coding-DNA position 259, A replaced by G.
Protein change: p.Lys87Glu; replaces lysine 87 with glutamic acid.
Molecular consequence: missense variant.
Genome position (GRCh38, 1-based): chr11:102,722,517, T>C on the plus strand (A>G on the coding strand, the complement: MMP8 is on the minus strand). VCF-style: chr11-102722517-T-C. GRCh37 (hg19) VCF-style: chr11-102593248-T-C.
Other names: c.190A>G, p.Lys64Glu (NM_001304441.2, NM_001304442.2); short protein forms K87E, K64E.
Identifiers: ClinVar variation 403099 (VCV000403099.5), dbSNP rs1940475, ClinGen allele CA6249635.